The following is an entry in ClinVar:

ClinVar aggregate classification (germline): Benign. Review status: criteria provided, multiple submitters, no conflicts (2 of 4 stars). 3 submissions from 3 submitters: Benign (3). Last evaluated 2024-07-15.

Allele frequency attached by ClinVar (database versions not stated): 1000 Genomes Project 30x 0.20222; 1000 Genomes Project 0.20807; TOPMed 0.24274; gnomAD 0.25381 and 0.25529; ESP Exome Variant Server 0.25821.
gnomAD v4.1: 393,018 of 1,283,632 alleles (31%); highest among the groups gnomAD compares: Non-Finnish European, 33%; 64,282 homozygotes.

Submissions (3):

Unidad de Genómica Garrahan, Hospital de Pediatría Garrahan
Classification: Benign. Last evaluated: 2024-07-15. Review status: criteria provided, single submitter. Criteria: ACMG Guidelines, 2015. Collection method: clinical testing. Allele origin: germline. Affected: no. Observed: 40 variant alleles.
Comment: This variant is classified as Benign based on local population frequency. This variant was detected in 43% of patients studied in a panel designed for Epileptic and Developmental Encephalopathy and Progressive Myoclonus Epilepsy. Number of patients: 40. Only high quality variants are reported.

GeneDx
Classification: Benign. Last evaluated: 2018-06-14. Review status: criteria provided, single submitter. Criteria: GeneDx Variant Classification (06012015). Collection method: clinical testing. Allele origin: germline. Affected: yes.
Comment: This variant is considered likely benign or benign based on one or more of the following criteria: it is a conservative change, it occurs at a poorly conserved position in the protein, it is predicted to be benign by multiple in silico algorithms, and/or has population frequency not consistent with disease.

Breakthrough Genomics
Classification: Benign. Review status: criteria provided, single submitter. Criteria: ACMG Guidelines, 2015. Collection method: not provided. Allele origin: germline. Inheritance: Autosomal dominant inheritance. Affected: yes.

NM_001165963.4(SCN1A):c.2177-38C>A

Gene: SCN1A (sodium voltage-gated channel alpha subunit 1; minus strand). Cytogenetic location: 2q24.3.
Variant type: single nucleotide variant.
Coding change: c.2177-38C>A on transcript NM_001165963.4 (MANE Select); 38 bases into the intron before coding-DNA position 2177, C replaced by A.
Molecular consequence: intron variant.
Genome position (GRCh38, 1-based): chr2:166,041,507, G>T on the plus strand (C>A on the coding strand, the complement: SCN1A is on the minus strand). VCF-style: chr2-166041507-G-T. GRCh37 (hg19) VCF-style: chr2-166898017-G-T.
Other names: c.2144-38C>A (NM_001353949.2, NM_001353950.2, NM_001353951.2 and 2 more transcripts); c.2093-38C>A (NM_001353958.2, NM_001353957.2, NM_001165964.3); c.2177-38C>A (NM_001202435.3, NM_001353948.2); c.2141-38C>A (NM_001353955.2, NM_001353954.2); c.2090-38C>A (NM_001353960.2); c.-282-38C>A (NM_001353961.2).
Identifiers: ClinVar variation 670842 (VCV000670842.4), dbSNP rs10198801, ClinGen allele CA1943174.